The following is an entry in ClinVar:

NM_005546.4(ITK):c.1312A>T (p.Met438Leu)

Gene: ITK (IL2 inducible T cell kinase; plus strand). Cytogenetic location: 5q33.3.
Variant type: single nucleotide variant.
Coding change: c.1312A>T on transcript NM_005546.4 (MANE Select); coding-DNA position 1312, A replaced by T.
Protein change: p.Met438Leu; replaces methionine 438 with leucine.
Molecular consequence: missense variant.
Genome position (GRCh38, 1-based): chr5:157,244,341, A>T. VCF-style: chr5-157244341-A-T. GRCh37 (hg19) VCF-style: chr5-156671351-A-T.
Other names: short protein forms M438L.
Identifiers: ClinVar variation 2191669 (VCV002191669.1), dbSNP rs889573145, ClinGen allele CA130159321.
Genomic context (GRCh38, chr5:157,244,341, plus strand): 5'-CTGGTGCAGCTGTATGGGGTGTGCCTGGAGCAGGCCCCCATCTGCCTGGTGTTTGAGTTC[A>T]TGGAGCACGGCTGCCTGTCAGATTATCTACGCACCCAGCGGGGACTTTTTGCTGCAGAGA-3'
Protein context (NP_005537.3, residues 428-448): QAPICLVFEF[Met438Leu]EHGCLSDYLR

ClinVar aggregate classification (germline): Uncertain significance (1 of 4 stars; one submission).

Conditions:
Lymphoproliferative syndrome 1 (LPFS1). Identifiers: Orphanet 238505, Orphanet 538963, MedGen C3552634, MONDO:0013081, OMIM 613011.

Allele frequency attached by ClinVar (database versions not stated): TOPMed 0.00002; gnomAD 0.00003.
gnomAD v4.1: 14 of 1,614,000 alleles (0.00087%); highest among the groups gnomAD compares: Non-Finnish European, 0.0012%; no homozygotes.

Submission:

Labcorp Genetics (formerly Invitae), Labcorp
Classification: Uncertain significance for Lymphoproliferative syndrome 1. Last evaluated: 2022-08-23. Review status: criteria provided, single submitter. Criteria: Invitae Variant Classification Sherloc (09022015). Collection method: clinical testing. Allele origin: germline.
Comment: This sequence change replaces methionine, which is neutral and non-polar, with leucine, which is neutral and non-polar, at codon 438 of the ITK protein (p.Met438Leu). This variant is present in population databases (no rsID available, gnomAD 0.002%). This variant has not been reported in the literature in individuals affected with ITK-related conditions. Advanced modeling of protein sequence and biophysical properties (such as structural, functional, and spatial information, amino acid conservation, physicochemical variation, residue mobility, and thermodynamic stability) performed at Invitae indicates that this missense variant is not expected to disrupt ITK protein function. In summary, the available evidence is currently insufficient to determine the role of this variant in disease. Therefore, it has been classified as a Variant of Uncertain Significance.